The following is an entry in ClinVar:

ClinVar aggregate classification (germline): Uncertain significance (1 of 4 stars; one submission).

Conditions:
GNE myopathy (NM). Also called: MYOPATHY, DISTAL, WITH OR WITHOUT RIMMED VACUOLES; IBM 2; Inclusion body myopathy autosomal recessive; Inclusion body myopathy quadriceps sparing; INCLUSION BODY MYOPATHY, HEREDITARY, AUTOSOMAL RECESSIVE; INCLUSION BODY MYOPATHY 2, AUTOSOMAL RECESSIVE. Identifiers: Orphanet 602, MedGen C1853926, MONDO:0011603, OMIM 605820.
Sialuria. Also called: Sialic Acid Storage Disease; SIALURIA, FRENCH TYPE. Identifiers: Orphanet 3166, MedGen C0342853, MONDO:0010028, OMIM 269921.

Allele frequency attached by ClinVar (database versions not stated): gnomAD 0.00001; TOPMed 0.00001.
gnomAD v4.1: 1 of 1,613,650 alleles (0.000062%); highest among the groups gnomAD compares: African/African-American, 0.0013%; no homozygotes.

Submission:

Labcorp Genetics (formerly Invitae), Labcorp
Classification: Uncertain significance for Sialuria; GNE myopathy. Last evaluated: 2023-09-13. Review status: criteria provided, single submitter. Criteria: Invitae Variant Classification Sherloc (09022015). Collection method: clinical testing. Allele origin: germline.
Comment: This sequence change replaces valine, which is neutral and non-polar, with methionine, which is neutral and non-polar, at codon 116 of the GNE protein (p.Val116Met). The frequency data for this variant in the population databases is considered unreliable, as metrics indicate poor data quality at this position in the gnomAD database. This variant has not been reported in the literature in individuals affected with GNE-related conditions. ClinVar contains an entry for this variant (Variation ID: 2075538). Advanced modeling of protein sequence and biophysical properties (such as structural, functional, and spatial information, amino acid conservation, physicochemical variation, residue mobility, and thermodynamic stability) has been performed at Invitae for this missense variant, however the output from this modeling did not meet the statistical confidence thresholds required to predict the impact of this variant on GNE protein function. In summary, the available evidence is currently insufficient to determine the role of this variant in disease. Therefore, it has been classified as a Variant of Uncertain Significance.

NM_005476.7(GNE):c.253G>A (p.Val85Met)

Gene: GNE (glucosamine (UDP-N-acetyl)-2-epimerase/N-acetylmannosamine kinase; minus strand). Cytogenetic location: 9p13.3.
Variant type: single nucleotide variant.
Coding change: c.253G>A on transcript NM_005476.7 (MANE Select); coding-DNA position 253, G replaced by A.
Protein change: p.Val85Met; replaces valine 85 with methionine.
Molecular consequence: missense variant.
Genome position (GRCh38, 1-based): chr9:36,246,394, C>T on the plus strand (G>A on the coding strand, the complement: GNE is on the minus strand). VCF-style: chr9-36246394-C-T. GRCh37 (hg19) VCF-style: chr9-36246391-C-T.
Other names: c.346G>A, p.Val116Met (NM_001128227.3); c.253G>A, p.Val85Met (NM_001190383.3, NM_001374797.1); c.76G>A, p.Val26Met (NM_001190384.3, NM_001190388.2, NM_001374798.1); short protein forms V116M, V26M, V85M.
Identifiers: ClinVar variation 2075538 (VCV002075538.4), dbSNP rs1317734365, ClinGen allele CA373419816.